The following is an entry in ClinVar:

ClinVar aggregate classification (germline): Uncertain significance (1 of 4 stars; one submission).

Conditions:
Tuberous sclerosis 2 (TSC2). Identifiers: Orphanet 805, MedGen C1860707, MONDO:0013199, OMIM 613254.

Submission:

Labcorp Genetics (formerly Invitae), Labcorp
Classification: Uncertain significance for Tuberous sclerosis 2. Last evaluated: 2023-11-11. Review status: criteria provided, single submitter. Criteria: Invitae Variant Classification Sherloc (09022015). Collection method: clinical testing. Allele origin: germline.
Comment: This sequence change replaces aspartic acid, which is acidic and polar, with glutamic acid, which is acidic and polar, at codon 396 of the TSC2 protein (p.Asp396Glu). This variant is not present in population databases (gnomAD no frequency). This variant has not been reported in the literature in individuals affected with TSC2-related conditions. Advanced modeling of protein sequence and biophysical properties (such as structural, functional, and spatial information, amino acid conservation, physicochemical variation, residue mobility, and thermodynamic stability) performed at Invitae indicates that this missense variant is not expected to disrupt TSC2 protein function with a negative predictive value of 95%. In summary, the available evidence is currently insufficient to determine the role of this variant in disease. Therefore, it has been classified as a Variant of Uncertain Significance.

NM_000548.5(TSC2):c.1188C>G (p.Asp396Glu)

Gene: TSC2 (TSC complex subunit 2; plus strand). Cytogenetic location: 16p13.3.
Variant type: single nucleotide variant.
Coding change: c.1188C>G on transcript NM_000548.5 (MANE Select); coding-DNA position 1188, C replaced by G.
Protein change: p.Asp396Glu; replaces aspartic acid 396 with glutamic acid.
Molecular consequence: missense variant. On other transcripts: 5 prime UTR variant (10), non-coding transcript variant (5).
Genome position (GRCh38, 1-based): chr16:2,061,939, C>G. VCF-style: chr16-2061939-C-G. GRCh37 (hg19) VCF-style: chr16-2111940-C-G.
Other names: c.1188C>G, p.Asp396Glu (NM_001077183.3, NM_001114382.3, NM_001363528.2 and 6 more transcripts); c.1077C>G, p.Asp359Glu (NM_001318827.2, NM_001406678.1, NM_001406670.1); c.1041C>G, p.Asp347Glu (NM_001318829.2, NM_001406679.1, NM_001406675.1 and 1 more transcripts); c.588C>G, p.Asp196Glu (NM_001318831.2, NM_001406680.1, NM_001406682.1 and 6 more transcripts); c.1221C>G, p.Asp407Glu (NM_001318832.2); c.1131C>G, p.Asp377Glu (NM_001406677.1); c.726C>G, p.Asp242Glu (NM_001406681.1); c.-157C>G (NM_001406689.1, NM_001406690.1, NM_001406691.1 and 4 more transcripts); and 4 more; short protein forms D377E, D396E, D426E, D347E, D359E, D392E, D196E, D242E.
Identifiers: ClinVar variation 2754311 (VCV002754311.3), dbSNP rs748989730, ClinGen allele CA394320622.
Genomic context (GRCh38, chr16:2,061,939, plus strand): 5'-CAGCCCGGAGCTCAGGACCATCGTCCATGACCTGTTGACCACGGTGGAGGAGCTGTGTGA[C>G]CAGAACGAGTTCCACGGGTCTCAGGAGAGATACTTTGAACTGGTGGAGAGATGTGCGGAC-3'
Protein context (NP_000539.2, residues 386-406): DLLTTVEELC[Asp396Glu]QNEFHGSQER